The following is an entry in ClinVar:

ClinVar aggregate classification (germline): Uncertain significance (1 of 4 stars; one submission).

Conditions:
Long QT syndrome (LQTS). Identifiers: MedGen C0023976, MeSH D008133, MONDO:0002442. Disease mechanism: loss of function. Inheritance: Various modes of inheritance.

gnomAD v4.1: 2 of 1,614,244 alleles (0.00012%); highest among the groups gnomAD compares: Non-Finnish European, 0.00017%; no homozygotes.

Submission:

Labcorp Genetics (formerly Invitae), Labcorp
Classification: Uncertain significance for Long QT syndrome. Last evaluated: 2024-08-28. Review status: criteria provided, single submitter. Criteria: Invitae Variant Classification Sherloc (09022015). Collection method: clinical testing. Allele origin: germline.
Comment: This sequence change replaces aspartic acid, which is acidic and polar, with glycine, which is neutral and non-polar, at codon 3734 of the AKAP9 protein (p.Asp3734Gly). This variant is not present in population databases (gnomAD no frequency). This variant has not been reported in the literature in individuals affected with AKAP9-related conditions. An algorithm developed to predict the effect of missense changes on protein structure and function (PolyPhen-2) suggests that this variant is likely to be disruptive. In summary, the available evidence is currently insufficient to determine the role of this variant in disease. Therefore, it has been classified as a Variant of Uncertain Significance.

NM_005751.5(AKAP9):c.11201A>G (p.Asp3734Gly)

Gene: AKAP9 (A-kinase anchoring protein 9; plus strand). Cytogenetic location: 7q21.2.
Variant type: single nucleotide variant.
Coding change: c.11201A>G on transcript NM_005751.5 (MANE Select); coding-DNA position 11201, A replaced by G.
Protein change: p.Asp3734Gly; replaces aspartic acid 3734 with glycine.
Molecular consequence: missense variant.
Genome position (GRCh38, 1-based): chr7:92,102,697, A>G. VCF-style: chr7-92102697-A-G. GRCh37 (hg19) VCF-style: chr7-91732011-A-G.
Other names: c.5846A>G, p.Asp1949Gly (NM_001379277.1); c.11177A>G, p.Asp3726Gly (NM_147185.3); short protein forms D3734G, D1949G, D3726G.
Identifiers: ClinVar variation 3659795 (VCV003659795.2).